The following is an entry in ClinVar:

ClinVar aggregate classification (germline): Uncertain significance (1 of 4 stars; one submission).

Conditions:
Cystinuria (CSNU). Also called: CYSTINURIA, TYPE I; CYSTINURIA, TYPE II; CYSTINURIA, TYPE III; Cystinuria, non-type I. Identifiers: Orphanet 214, MedGen C0010691, MONDO:0009067, OMIM 220100, HP:0003131.

Allele frequency attached by ClinVar (database versions not stated): gnomAD 0.00001; TOPMed 0.00002.
gnomAD v4.1: 9 of 1,614,004 alleles (0.00056%); highest among the groups gnomAD compares: Non-Finnish European, 0.00076%; no homozygotes.

Submissions (2):

Labcorp Genetics (formerly Invitae), Labcorp
Classification: Uncertain significance for Cystinuria. Last evaluated: 2021-09-02. Review status: criteria provided, single submitter. Criteria: Invitae Variant Classification Sherloc (09022015). Collection method: clinical testing. Allele origin: germline.
Comment: This variant has not been reported in the literature in individuals affected with SLC3A1-related conditions. In summary, the available evidence is currently insufficient to determine the role of this variant in disease. Therefore, it has been classified as a Variant of Uncertain Significance. Algorithms developed to predict the effect of missense changes on protein structure and function are either unavailable or do not agree on the potential impact of this missense change (SIFT: "Deleterious"; PolyPhen-2: "Benign"; Align-GVGD: "Class C0"). This variant is present in population databases (rs267599386, ExAC 0.003%). This sequence change replaces aspartic acid with tyrosine at codon 641 of the SLC3A1 protein (p.Asp641Tyr). The aspartic acid residue is weakly conserved and there is a large physicochemical difference between aspartic acid and tyrosine.

Dr. Peter K. Rogan Lab, Western University
No classification provided (evidence only). Condition: Lung cancer. Review status: no classification provided. Collection method: in vitro. Allele origin: not applicable. Functional consequence: retained intron. Not counted in ClinVar's aggregate classification.

NM_000341.4(SLC3A1):c.1921G>T (p.Asp641Tyr)

Genes: PREPL (prolyl endopeptidase like; minus strand), SLC3A1 (solute carrier family 3 member 1; plus strand). Cytogenetic location: 2p21.
Variant type: single nucleotide variant.
Coding change: c.1921G>T on transcript NM_000341.4 (MANE Select); coding-DNA position 1921, G replaced by T.
Protein change: p.Asp641Tyr; replaces aspartic acid 641 with tyrosine.
Molecular consequence: missense variant. On other transcripts: 3 prime UTR variant (10).
Genome position (GRCh38, 1-based): chr2:44,320,502, G>T. VCF-style: chr2-44320502-G-T. GRCh37 (hg19) VCF-style: chr2-44547641-G-T.
Other names: c.*854C>A (NM_001042385.2, NM_001042386.2, NM_001171603.1 and 7 more transcripts); short protein forms D641Y.
Identifiers: ClinVar variation 1485650 (VCV001485650.9), dbSNP rs267599386, ClinGen allele CA1640797.